The following is an entry in ClinVar:

ClinVar aggregate classification (germline): Uncertain significance (1 of 4 stars; one submission).

Submission:

Labcorp Genetics (formerly Invitae), Labcorp
Classification: Uncertain significance. Last evaluated: 2025-06-15. Review status: criteria provided, single submitter. Criteria: Invitae Variant Classification Sherloc (09022015). Collection method: clinical testing. Allele origin: germline.
Comment: This sequence change replaces leucine, which is neutral and non-polar, with phenylalanine, which is neutral and non-polar, at codon 397 of the ATP6AP1 protein (p.Leu397Phe). This variant is not present in population databases (gnomAD no frequency). This variant has not been reported in the literature in individuals affected with ATP6AP1-related conditions. Invitae Evidence Modeling of protein sequence and biophysical properties (such as structural, functional, and spatial information, amino acid conservation, physicochemical variation, residue mobility, and thermodynamic stability) indicates that this missense variant is not expected to disrupt ATP6AP1 protein function with a negative predictive value of 80%. In summary, the available evidence is currently insufficient to determine the role of this variant in disease. Therefore, it has been classified as a Variant of Uncertain Significance.

NM_001183.6(ATP6AP1):c.1189C>T (p.Leu397Phe)

Gene: ATP6AP1 (ATPase H+ transporting accessory protein 1; plus strand). Cytogenetic location: Xq28.
Variant type: single nucleotide variant.
Coding change: c.1189C>T on transcript NM_001183.6 (MANE Select); coding-DNA position 1189, C replaced by T.
Protein change: p.Leu397Phe; replaces leucine 397 with phenylalanine.
Molecular consequence: missense variant.
Genome position (GRCh38, 1-based): chrX:154,435,491, C>T. VCF-style: chrX-154435491-C-T. GRCh37 (hg19) VCF-style: chrX-153663837-C-T.
Other names: short protein forms L397F.
Identifiers: ClinVar variation 4781886 (VCV004781886.1).